The following is an entry in ClinVar:

ClinVar aggregate classification (germline): Uncertain significance (1 of 4 stars; one submission).

Conditions:
Familial temporal lobe epilepsy 7. Identifiers: Orphanet 101046, MedGen C4225327, MONDO:0014639, OMIM 616436.
Norman-Roberts syndrome (LIS2). Also called: Lissencephaly 2 (Norman-Roberts type). Identifiers: Orphanet 89844, MedGen C0796089, MONDO:0009760, OMIM 257320.

Submission:

Labcorp Genetics (formerly Invitae), Labcorp
Classification: Uncertain significance for Familial temporal lobe epilepsy 7; Norman-Roberts syndrome. Last evaluated: 2022-01-17. Review status: criteria provided, single submitter. Criteria: Invitae Variant Classification Sherloc (09022015). Collection method: clinical testing. Allele origin: germline.
Comment: This variant has not been reported in the literature in individuals affected with RELN-related conditions. Algorithms developed to predict the effect of missense changes on protein structure and function (SIFT, PolyPhen-2, Align-GVGD) all suggest that this variant is likely to be tolerated. In summary, the available evidence is currently insufficient to determine the role of this variant in disease. Therefore, it has been classified as a Variant of Uncertain Significance. This variant is not present in population databases (gnomAD no frequency). This sequence change replaces histidine, which is basic and polar, with aspartic acid, which is acidic and polar, at codon 1447 of the RELN protein (p.His1447Asp).

NM_005045.4(RELN):c.4339C>G (p.His1447Asp)

Gene: RELN (reelin; minus strand). Cytogenetic location: 7q22.1.
Variant type: single nucleotide variant.
Coding change: c.4339C>G on transcript NM_005045.4 (MANE Select); coding-DNA position 4339, C replaced by G.
Protein change: p.His1447Asp; replaces histidine 1447 with aspartic acid.
Molecular consequence: missense variant.
Genome position (GRCh38, 1-based): chr7:103,574,264, G>C on the plus strand (C>G on the coding strand, the complement: RELN is on the minus strand). VCF-style: chr7-103574264-G-C. GRCh37 (hg19) VCF-style: chr7-103214711-G-C.
Other names: c.4339C>G, p.His1447Asp (NM_173054.3); short protein forms H1447D.
Identifiers: ClinVar variation 2086588 (VCV002086588.4), dbSNP rs1383302501, ClinGen allele CA368751838.